The following is an entry in ClinVar:

NM_001267550.2(TTN):c.92173dup (p.Ile30725fs)

Genes: TTN-AS1 (TTN antisense RNA 1; plus strand), TTN (titin; minus strand). Cytogenetic location: 2q31.2.
Variant type: Duplication.
Coding change: c.92173dup on transcript NM_001267550.2 (MANE Select); coding-DNA position 92173, one base duplicated (A; older notation c.92173dupA).
Protein change: p.Ile30725fs; shifts the reading frame from isoleucine 30725.
Molecular consequence: frameshift variant.
Genome position (GRCh38, 1-based): chr2:178,549,453, T duplicated on the plus strand (A on the coding strand, the reverse complement: TTN is on the minus strand). VCF-style (leftmost placement, unchanged base first): chr2-178549452-A-AT. GRCh37 (hg19) VCF-style: chr2-179414179-A-AT.
Other names: c.87250dup, p.Ile29084fs (NM_001256850.1); c.64978dup, p.Ile21660fs (NM_003319.4); c.84469dup, p.Ile28157fs (NM_133378.4); c.65353dup, p.Ile21785fs (NM_133432.3); c.65554dup, p.Ile21852fs (NM_133437.4); short protein forms I21660fs, I21785fs, I21852fs, I28157fs, I29084fs, I30725fs.
Identifiers: ClinVar variation 2574065 (VCV002574065.1), dbSNP rs2469162364, ClinGen allele CA2697549222.

ClinVar aggregate classification (germline): Likely pathogenic (0 of 4 stars; one submission).

Conditions:
Dilated cardiomyopathy 1G (CMD1G). Identifiers: Orphanet 154, MedGen C1858763, MONDO:0011400, OMIM 604145.

Submission:

deCODE genetics, Amgen
Classification: Likely pathogenic for Dilated cardiomyopathy 1G. Last evaluated: 2023-07-21. Review status: no assertion criteria provided. Collection method: research. Allele origin: germline. Affected: yes. Observed: 1 variant allele.
Comment: The variant NM_001267550.2:c.92173dup (chr2:178549452) in TTN was detected in 1 heterozygote out of 58K WGS Icelanders (MAF= 0,001%). This variant has not been reported in ClinVar previously. Based on ACMG criteria (PVS1, PM2) this variant classifies as likely pathogenic.